The following is an entry in ClinVar:

ClinVar aggregate classification (germline): Benign/Likely benign. Review status: criteria provided, multiple submitters, no conflicts (2 of 4 stars). 8 submissions from 8 submitters: Benign (1); Likely benign (4). 3 of the submissions do not count toward it. Last evaluated 2026-05-01.

Conditions:
Disorders of Intracellular Cobalamin Metabolism. Identifiers: MedGen CN043592.
Methylcobalamin deficiency type cblE (HMAE). Also called: VITAMIN B12-RESPONSIVE HOMOCYSTINURIA, cblE TYPE; HOMOCYSTINURIA-MEGALOBLASTIC ANEMIA, cblE COMPLEMENTATION TYPE; HOMOCYSTINURIA-MEGALOBLASTIC ANEMIA, cblE TYPE. Identifiers: Orphanet 2169, Orphanet 622, MedGen C1856057, MONDO:0009354, OMIM 236270.

Allele frequency attached by ClinVar (database versions not stated): 1000 Genomes Project 30x 0.00078; 1000 Genomes Project 0.00080; ExAC 0.00256; TOPMed 0.00280; gnomAD 0.00297 and 0.00303; ESP Exome Variant Server 0.00431.
gnomAD v4.1: 7,230 of 1,614,146 alleles (0.45%); highest among the groups gnomAD compares: Non-Finnish European, 0.58%; 22 homozygotes.

Submissions (8):

CeGaT Center for Human Genetics Tuebingen
Classification: Likely benign. Last evaluated: 2026-05-01. Review status: criteria provided, single submitter. Criteria: CeGaT Center For Human Genetics Tuebingen Variant Classification Criteria Version 2. Collection method: clinical testing. Allele origin: germline. Affected: yes. Observed: 5 variant alleles.
Comment: MTRR: BP4, BP7, BS2

Labcorp Genetics (formerly Invitae), Labcorp
Classification: Benign for Methylcobalamin deficiency type cblE. Last evaluated: 2026-01-31. Review status: criteria provided, single submitter. Criteria: Invitae Variant Classification Sherloc (09022015). Collection method: clinical testing. Allele origin: germline.

GeneDx
Classification: Likely benign. Last evaluated: 2020-02-14. Review status: criteria provided, single submitter. Criteria: GeneDx Variant Classification Process June 2021. Collection method: clinical testing. Allele origin: germline. Affected: yes.

Illumina Laboratory Services, Illumina
Classification: Likely benign for Disorders of Intracellular Cobalamin Metabolism. Last evaluated: 2018-01-12. Review status: criteria provided, single submitter. Criteria: ICSL Variant Classification Criteria 13 December 2019. Collection method: clinical testing. Allele origin: germline.
Comment: This variant was observed in the ICSL laboratory as part of a predisposition screen in an ostensibly healthy population. It had not been previously curated by ICSL or reported in the Human Gene Mutation Database (HGMD: prior to June 1st, 2018), and was therefore a candidate for classification through an automated scoring system. Utilizing variant allele frequency, disease prevalence and penetrance estimates, and inheritance mode, an automated score was calculated to assess if this variant is too frequent to cause the disease. Based on the score and internal cut-off values, a variant classified as likely benign is not then subjected to further curation. The score for this variant resulted in a classification of likely benign for this disease.

Breakthrough Genomics
Classification: Likely benign. Review status: criteria provided, single submitter. Criteria: ACMG Guidelines, 2015. Collection method: not provided. Allele origin: germline. Inheritance: Autosomal recessive inheritance. Affected: yes.

Natera, Inc.
Classification: Benign for CblE complementation type homocystinuria-megaloblastic anemia due to defect in cobalamin metabolism. Last evaluated: 2019-10-18. Review status: no assertion criteria provided. Collection method: clinical testing. Allele origin: germline. Not counted in ClinVar's aggregate classification.

Clinical Genetics DNA and cytogenetics Diagnostics Lab, Erasmus MC, Erasmus Medical Center
Classification: Likely benign. Review status: no assertion criteria provided. Collection method: clinical testing. Allele origin: germline. Affected: yes. Study: VKGL Data-share Consensus. Not counted in ClinVar's aggregate classification.

Clinical Genetics, Academic Medical Center
Classification: Benign. Review status: no assertion criteria provided. Collection method: clinical testing. Allele origin: germline. Affected: yes. Study: VKGL Data-share Consensus. Not counted in ClinVar's aggregate classification.

NM_002454.3(MTRR):c.210C>G (p.Arg70=)

Gene: MTRR (5-methyltetrahydrofolate-homocysteine methyltransferase reductase; plus strand). Cytogenetic location: 5p15.31.
Variant type: single nucleotide variant.
Coding change: c.210C>G on transcript NM_002454.3 (MANE Select); coding-DNA position 210, C replaced by G.
Protein change: p.Arg70=; no amino-acid change (arginine 70 retained).
Molecular consequence: synonymous variant. On other transcripts: non-coding transcript variant (8).
Genome position (GRCh38, 1-based): chr5:7,873,453, C>G. VCF-style: chr5-7873453-C-G. GRCh37 (hg19) VCF-style: chr5-7873566-C-G.
Other names: c.210C>G, p.Arg70= (NM_001364440.2, NM_001364441.2, NM_001364442.2 and 1 more transcripts).
Identifiers: ClinVar variation 354344 (VCV000354344.47), dbSNP rs41282641, ClinGen allele CA3195519.